The following is an entry in ClinVar:

ClinVar aggregate classification (germline): Likely pathogenic. Review status: criteria provided, multiple submitters, no conflicts (2 of 4 stars). 3 submissions from 3 submitters: Likely pathogenic (3). Last evaluated 2024-04-24.

Conditions:
Mucopolysaccharidosis, MPS-III-A (MPS3A). Also called: HEPARAN SULFATE SULFATASE DEFICIENCY; MUCOPOLYSACCHARIDOSIS, TYPE IIIA, ATTENUATED; Mucopolysaccharidosis, type IIIA; SANFILIPPO SYNDROME A; SULFAMIDASE DEFICIENCY; Mucopolysaccharidosis type IIIA (Sanfilippo A). Identifiers: Orphanet 581, Orphanet 79269, MedGen C0086647, MONDO:0009655, OMIM 252900.

Allele frequency attached by ClinVar (database versions not stated): gnomAD exomes below 0.00001; gnomAD 0.00001; TOPMed 0.00001.

Submissions (3):

Fulgent Genetics
Classification: Likely pathogenic for Mucopolysaccharidosis, MPS-III-A. Last evaluated: 2024-04-24. Review status: criteria provided, single submitter. Criteria: ACMG Guidelines, 2015. Collection method: clinical testing. Allele origin: germline.

GeneDx
Classification: Likely pathogenic. Last evaluated: 2018-08-02. Review status: criteria provided, single submitter. Criteria: GeneDx Variant Classification (06012015). Collection method: clinical testing. Allele origin: germline. Affected: yes.
Comment: The D477N variant in the SGSH gene has been reported previously in the homozygous state in two siblings with mucopolysaccharidosis IIIA (Ouesleti et al., 2017). The D477N variant is not observed in large population cohorts (Lek et al., 2016). The D477N variant is a semi-conservative amino acid substitution, which may impact secondary protein structure as these residues differ in some properties. In-silico analyses, including protein predictors and evolutionary conservation, support a deleterious effect. A missense variant in the same residue (D477E) has been reported in the homozygous state in an individual with mucopolysaccharidosis type IIIA (HÃ©ron et al., 2011), supporting the functional importance of this residue. We interpret D477N as a likely pathogenic variant.

Foundation for Research in Genetics and Endocrinology, FRIGE's Institute of Human Genetics
Classification: Likely pathogenic for Mucopolysaccharidosis, MPS-III-A. Review status: criteria provided, single submitter. Criteria: ACMG Guidelines, 2015. Collection method: clinical testing. Allele origin: germline. Inheritance: Autosomal recessive inheritance. Affected: yes. Observed: 1 compound heterozygote.
Comment: A homozygous missense variant in exon 8 of the SGSH gene that results in the amino acid substitution of Asparagine for Aspartate at codon 477 was detected. The observed variant c.1429G>A (p.Asp477Asn) has not been reported in the 1000 genomes and gnomAD databases. The in silico prediction of the variant is damaging by LRT and MutationTaster2. The reference codon is conserved across species. In summary, the variant meets our criteria to be classified as likely pathogenic.

NM_000199.5(SGSH):c.1429G>A (p.Asp477Asn)

Gene: SGSH (N-sulfoglucosamine sulfohydrolase; minus strand). Cytogenetic location: 17q25.3.
Variant type: single nucleotide variant.
Coding change: c.1429G>A on transcript NM_000199.5 (MANE Select); coding-DNA position 1429, G replaced by A.
Protein change: p.Asp477Asn; replaces aspartic acid 477 with asparagine.
Molecular consequence: missense variant. On other transcripts: 3 prime UTR variant (2), non-coding transcript variant (1).
Genome position (GRCh38, 1-based): chr17:80,210,532, C>T on the plus strand (G>A on the coding strand, the complement: SGSH is on the minus strand). VCF-style: chr17-80210532-C-T. GRCh37 (hg19) VCF-style: chr17-78184331-C-T.
Other names: p.Asp477Asn; c.*516G>A (NM_001352921.3); c.*479G>A (NM_001352922.2); short protein forms D477N.
Identifiers: ClinVar variation 421394 (VCV000421394.4), dbSNP rs1064795109, ClinGen allele CA16620651.